The following is an entry in ClinVar:

ClinVar aggregate classification (germline): Uncertain significance (1 of 4 stars; one submission).

Conditions:
Familial colorectal cancer. Identifiers: MedGen CN280943, MONDO:0023113. Disease mechanism: loss of function.

Submission:

Labcorp Genetics (formerly Invitae), Labcorp
Classification: Uncertain significance for Familial colorectal cancer. Last evaluated: 2020-12-19. Review status: criteria provided, single submitter. Criteria: Invitae Variant Classification Sherloc (09022015). Collection method: clinical testing. Allele origin: germline.
Comment: In summary, the available evidence is currently insufficient to determine the role of this variant in disease. Therefore, it has been classified as a Variant of Uncertain Significance. Two different tandem duplications (40 kb and 16 kb) spanning the 3' end of the SCG5 gene and the region upstream of the GREM1 gene have been reported in families with hereditary mixed polyposis syndrome (PMID: 22561515, 25992589, 26493165). However, the gain identified in this individual is different from those variants, and therefore the impact of the additional duplicated sequences on GREM1 expression and function has not been established. This variant results in a copy number gain of the genomic region encompassing the promoter of the GREM1 gene. The precise boundaries of this event are unknown.

Literature cited by the submitters: PubMed 22561515; PubMed 25992589; PubMed 26493165.

NC_000015.9:g.(?_32964889)_(33009478_?)dup

Genes: GREM1 (gremlin 1, DAN family BMP antagonist; plus strand), SCG5 (secretogranin V; plus strand). Cytogenetic location: 15q13.3.
Variant type: Duplication.
Identifiers: ClinVar variation 1411760 (VCV001411760.6).